The following is an entry in ClinVar:

ClinVar aggregate classification (germline): Uncertain significance (1 of 4 stars; one submission).

Conditions:
Adams-Oliver syndrome 5 (AOS5). Identifiers: Orphanet 974, MedGen C4014970, MONDO:0014459, OMIM 616028.

Allele frequency attached by ClinVar (database versions not stated): TOPMed below 0.00001; gnomAD exomes 0.00001.
gnomAD v4.1: 8 of 1,612,764 alleles (0.0005%); highest among the groups gnomAD compares: East Asian, 0.0022%; no homozygotes.

Submission:

Labcorp Genetics (formerly Invitae), Labcorp
Classification: Uncertain significance for Adams-Oliver syndrome 5. Last evaluated: 2019-10-02. Review status: criteria provided, single submitter. Criteria: Invitae Variant Classification Sherloc (09022015). Collection method: clinical testing. Allele origin: germline.
Comment: This variant is not present in population databases (ExAC no frequency). This variant has not been reported in the literature in individuals with NOTCH1-related conditions. Algorithms developed to predict the effect of missense changes on protein structure and function (SIFT, PolyPhen-2, Align-GVGD) all suggest that this variant is likely to be disruptive, but these predictions have not been confirmed by published functional studies and their clinical significance is uncertain. In summary, the available evidence is currently insufficient to determine the role of this variant in disease. Therefore, it has been classified as a Variant of Uncertain Significance. This sequence change replaces valine with isoleucine at codon 1676 of the NOTCH1 protein (p.Val1676Ile). The valine residue is highly conserved and there is a small physicochemical difference between valine and isoleucine.

NM_017617.5(NOTCH1):c.5026G>A (p.Val1676Ile)

Gene: NOTCH1 (notch receptor 1; minus strand). Cytogenetic location: 9q34.3.
Variant type: single nucleotide variant.
Coding change: c.5026G>A on transcript NM_017617.5 (MANE Select); coding-DNA position 5026, G replaced by A.
Protein change: p.Val1676Ile; replaces valine 1676 with isoleucine.
Molecular consequence: missense variant.
Genome position (GRCh38, 1-based): chr9:136,503,323, C>T on the plus strand (G>A on the coding strand, the complement: NOTCH1 is on the minus strand). VCF-style: chr9-136503323-C-T. GRCh37 (hg19) VCF-style: chr9-139397775-C-T.
Other names: short protein forms V1676I.
Identifiers: ClinVar variation 969714 (VCV000969714.9), dbSNP rs1261408162, ClinGen allele CA375642526.